The following is an entry in ClinVar:

NM_000368.5(TSC1):c.2144G>A (p.Arg715Gln)

Gene: TSC1 (TSC complex subunit 1; minus strand). Cytogenetic location: 9q34.13.
Variant type: single nucleotide variant.
Coding change: c.2144G>A on transcript NM_000368.5 (MANE Select); coding-DNA position 2144, G replaced by A.
Protein change: p.Arg715Gln; replaces arginine 715 with glutamine.
Molecular consequence: missense variant.
Genome position (GRCh38, 1-based): chr9:132,903,715, C>T on the plus strand (G>A on the coding strand, the complement: TSC1 is on the minus strand). VCF-style: chr9-132903715-C-T. GRCh37 (hg19) VCF-style: chr9-135779102-C-T.
Other names: c.2141G>A, p.Arg714Gln (NM_001162426.2); c.1991G>A, p.Arg664Gln (NM_001162427.2); c.1781G>A, p.Arg594Gln (NM_001362177.2); short protein forms R714Q, R715Q, R664Q, R594Q.
Identifiers: ClinVar variation 852697 (VCV000852697.10), dbSNP rs986350787, ClinGen allele CA200886760.

ClinVar aggregate classification (germline): Uncertain significance. Review status: criteria provided, multiple submitters, no conflicts (2 of 4 stars). 3 submissions from 3 submitters: Uncertain significance (3). Last evaluated 2025-12-01.

Conditions:
Hereditary cancer-predisposing syndrome. Also called: Neoplastic Syndromes, Hereditary; Hereditary Cancer Syndrome; Hereditary neoplastic syndrome; Tumor predisposition. Identifiers: Orphanet 140162, MedGen C0027672, MeSH D009386, MONDO:0015356.
Tuberous sclerosis 1 (TSC1). Identifiers: Orphanet 805, MedGen C1854465, MONDO:0008612, OMIM 191100.

Allele frequency attached by ClinVar (database versions not stated): gnomAD exomes below 0.00001 and 0.00001; TOPMed 0.00002.
gnomAD v4.1: 5 of 1,613,206 alleles (0.00031%); highest among the groups gnomAD compares: East Asian, 0.0022%; no homozygotes.

Submissions (3):

Ambry Genetics
Classification: Uncertain significance for Hereditary cancer-predisposing syndrome. Last evaluated: 2025-12-01. Review status: criteria provided, single submitter. Criteria: Ambry Variant Classification Scheme 2023. Collection method: clinical testing. Allele origin: germline.
Comment: The p.R715Q variant (also known as c.2144G>A), located in coding exon 15 of the TSC1 gene, results from a G to A substitution at nucleotide position 2144. The arginine at codon 715 is replaced by glutamine, an amino acid with highly similar properties. This amino acid position is conserved. In addition, this alteration is predicted to be deleterious by in silico analysis. Based on the available evidence, the clinical significance of this variant remains unclear.

Labcorp Genetics (formerly Invitae), Labcorp
Classification: Uncertain significance for Tuberous sclerosis 1. Last evaluated: 2025-11-19. Review status: criteria provided, single submitter. Criteria: Invitae Variant Classification Sherloc (09022015). Collection method: clinical testing. Allele origin: germline.
Comment: This sequence change replaces arginine, which is basic and polar, with glutamine, which is neutral and polar, at codon 715 of the TSC1 protein (p.Arg715Gln). This variant is present in population databases (no rsID available, gnomAD 0.006%). This missense change has been observed in individual(s) with epilepsy (PMID: 35571021). ClinVar contains an entry for this variant (Variation ID: 852697). Invitae Evidence Modeling of protein sequence and biophysical properties (such as structural, functional, and spatial information, amino acid conservation, physicochemical variation, residue mobility, and thermodynamic stability) has been performed for this missense variant. However, the output from this modeling did not meet the statistical confidence thresholds required to predict the impact of this variant on TSC1 protein function. In summary, the available evidence is currently insufficient to determine the role of this variant in disease. Therefore, it has been classified as a Variant of Uncertain Significance.

GeneDx
Classification: Uncertain significance. Last evaluated: 2024-01-03. Review status: criteria provided, single submitter. Criteria: GeneDx Variant Classification Process June 2021. Collection method: clinical testing. Allele origin: germline. Affected: yes.
Comment: In silico analysis supports that this missense variant has a deleterious effect on protein structure/function; Observed in an individual with seizures (PMID: 35571021); This variant is associated with the following publications: (PMID: 35571021)

Literature cited by the submitters: PubMed 35571021 (cited by Labcorp Genetics (formerly Invitae), Labcorp).